The following is an entry in ClinVar:

ClinVar aggregate classification (germline): Conflicting classifications of pathogenicity. Review status: criteria provided, conflicting classifications (1 of 4 stars). 3 submissions from 3 submitters: Uncertain significance (1); Likely benign (2). Last evaluated 2025-10-13.

Conditions:
Cardiomyopathy (CMYO). Also called: Cardiomyopathies. Identifiers: Orphanet 167848, MedGen C0878544, MONDO:0004994, HP:0001638. Inheritance: Various modes of inheritance.
Catecholaminergic polymorphic ventricular tachycardia (CVPT). Also called: Catecholamine-induced polymorphic ventricular tachycardia. Identifiers: Orphanet 3286, MedGen C5574922, MONDO:0017990.
Catecholaminergic polymorphic ventricular tachycardia 1. Also called: RYR2-Related Catecholaminergic Polymorphic Ventricular Tachycardia; VENTRICULAR TACHYCARDIA, CATECHOLAMINERGIC POLYMORPHIC, 1, WITH OR WITHOUT ATRIAL DYSFUNCTION AND/OR DILATED CARDIOMYOPATHY; VENTRICULAR TACHYCARDIA, STRESS-INDUCED POLYMORPHIC 1. Identifiers: Orphanet 3286, MedGen C1631597, MONDO:0011484, OMIM 604772.

Submissions (3):

Labcorp Genetics (formerly Invitae), Labcorp
Classification: Likely benign for Catecholaminergic polymorphic ventricular tachycardia 1. Last evaluated: 2025-10-13. Review status: criteria provided, single submitter. Criteria: Invitae Variant Classification Sherloc (09022015). Collection method: clinical testing. Allele origin: germline.

Color Diagnostics, LLC DBA Color Health
Classification: Likely benign for Cardiomyopathy. Last evaluated: 2025-08-11. Review status: criteria provided, single submitter. Criteria: ACMG Guidelines, 2015. Collection method: clinical testing. Allele origin: germline.

All of Us Research Program, National Institutes of Health
Classification: Uncertain significance for Catecholaminergic polymorphic ventricular tachycardia. Last evaluated: 2023-10-23. Review status: criteria provided, single submitter. Criteria: ACMG Guidelines, 2015. Collection method: clinical testing. Allele origin: germline. Inheritance: Autosomal dominant inheritance. Observed: 1 variant allele, 1 heterozygote.
Comment: This variant causes a C to A nucleotide substitution at the -14 position of intron 78 of the RYR2 gene. To our knowledge, functional studies have not been reported for this variant. This variant has not been reported in individuals affected with RYR2-related disorders in the literature. This variant has not been identified in the general population by the Genome Aggregation Database (gnomAD). The available evidence is insufficient to determine the role of this variant in disease conclusively. Therefore, this variant is classified as a Variant of Uncertain Significance.

This study involves interpretation of variants in research participants for the purpose of population health screening. Participant phenotype was not available at the time of variant classification. Additional details can be found in publication PMID: 35346344, PMCID: PMC8962531

NM_001035.3(RYR2):c.11040-14C>A

Gene: RYR2 (ryanodine receptor 2; plus strand). Cytogenetic location: 1q43.
Variant type: single nucleotide variant.
Coding change: c.11040-14C>A on transcript NM_001035.3 (MANE Select); 14 bases into the intron before coding-DNA position 11040, C replaced by A.
Molecular consequence: intron variant.
Genome position (GRCh38, 1-based): chr1:237,733,691, C>A. VCF-style: chr1-237733691-C-A. GRCh37 (hg19) VCF-style: chr1-237896991-C-A.
Identifiers: ClinVar variation 2730983 (VCV002730983.5), dbSNP rs1398488595, ClinGen allele CA2651212549.